The following is an entry in ClinVar:

NM_001943.5(DSG2):c.1064C>T (p.Ala355Val)

Gene: DSG2 (desmoglein 2; plus strand). Cytogenetic location: 18q12.1.
Variant type: single nucleotide variant.
Coding change: c.1064C>T on transcript NM_001943.5 (MANE Select); coding-DNA position 1064, C replaced by T.
Protein change: p.Ala355Val; replaces alanine 355 with valine.
Molecular consequence: missense variant.
Genome position (GRCh38, 1-based): chr18:31,531,036, C>T. VCF-style: chr18-31531036-C-T. GRCh37 (hg19) VCF-style: chr18-29110999-C-T.
Other names: short protein forms A355V.
Identifiers: ClinVar variation 2448374 (VCV002448374.3), dbSNP rs2510915280, ClinGen allele CA402138244.

ClinVar aggregate classification (germline): Uncertain significance. Review status: criteria provided, multiple submitters, no conflicts (2 of 4 stars). 2 submissions from 2 submitters: Uncertain significance (2). Last evaluated 2023-10-23.

Conditions:
Cardiovascular phenotype. Identifiers: MedGen CN230736.
Arrhythmogenic right ventricular cardiomyopathy (ARVD). Also called: Arrhythmogenic right ventricular dysplasia; Cardiomyopathy, ARVC; Arrhythmogenic cardiomyopathy; Arrhythmogenic Right Ventricular Cardiomyopathy (ARVC). Identifiers: Orphanet 247, MedGen C0349788, MeSH D019571, MONDO:0016587. Disease mechanism: loss of function. Inheritance: Various modes of inheritance.

Submissions (2):

All of Us Research Program, National Institutes of Health
Classification: Uncertain significance for Arrhythmogenic right ventricular cardiomyopathy. Last evaluated: 2023-10-23. Review status: criteria provided, single submitter. Criteria: ACMG Guidelines, 2015. Collection method: clinical testing. Allele origin: germline. Inheritance: Autosomal dominant inheritance. Observed: 1 variant allele, 1 heterozygote.
Comment: This missense variant replaces alanine with valine at codon 355 of the DSG2 protein. Computational prediction suggests that this variant may not impact protein structure and function (internally defined REVEL score threshold <= 0.5, PMID: 27666373). To our knowledge, functional studies have not been reported for this variant. This variant has not been reported in individuals affected with DSG2-related disorders in the literature. This variant has not been identified in the general population by the Genome Aggregation Database (gnomAD). The available evidence is insufficient to determine the role of this variant in disease conclusively. Therefore, this variant is classified as a Variant of Uncertain Significance.

This study involves interpretation of variants in research participants for the purpose of population health screening. Participant phenotype was not available at the time of variant classification. Additional details can be found in publication PMID: 35346344, PMCID: PMC8962531

Ambry Genetics
Classification: Uncertain significance for Cardiovascular phenotype. Last evaluated: 2023-01-01. Review status: criteria provided, single submitter. Criteria: Ambry Variant Classification Scheme 2023. Collection method: clinical testing. Allele origin: germline.
Comment: The p.A355V variant (also known as c.1064C>T), located in coding exon 9 of the DSG2 gene, results from a C to T substitution at nucleotide position 1064. The alanine at codon 355 is replaced by valine, an amino acid with similar properties. This amino acid position is conserved. In addition, this alteration is predicted to be tolerated by in silico analysis. Since supporting evidence is limited at this time, the clinical significance of this alteration remains unclear.